The following is an entry in ClinVar:

ClinVar aggregate classification (germline): Uncertain significance (1 of 4 stars; one submission).

Allele frequency attached by ClinVar (database versions not stated): gnomAD exomes below 0.00001; ExAC 0.00001; gnomAD 0.00001; TOPMed 0.00002; ESP Exome Variant Server 0.00008.
gnomAD v4.1: 3 of 1,614,058 alleles (0.00019%); highest among the groups gnomAD compares: African/African-American, 0.0027%; no homozygotes.

Submission:

Labcorp Genetics (formerly Invitae), Labcorp
Classification: Uncertain significance. Last evaluated: 2024-04-30. Review status: criteria provided, single submitter. Criteria: Invitae Variant Classification Sherloc (09022015). Collection method: clinical testing. Allele origin: germline.
Comment: This sequence change replaces lysine, which is basic and polar, with arginine, which is basic and polar, at codon 884 of the TOPORS protein (p.Lys884Arg). This variant is present in population databases (rs369736175, gnomAD 0.0009%). This variant has not been reported in the literature in individuals affected with TOPORS-related conditions. ClinVar contains an entry for this variant (Variation ID: 1915257). Experimental studies and prediction algorithms are not available or were not evaluated, and the functional significance of this variant is currently unknown. In summary, the available evidence is currently insufficient to determine the role of this variant in disease. Therefore, it has been classified as a Variant of Uncertain Significance.

NM_005802.5(TOPORS):c.2651A>G (p.Lys884Arg)

Gene: TOPORS (TOP1 binding arginine/serine rich protein, E3 ubiquitin ligase; minus strand). Cytogenetic location: 9p21.1.
Variant type: single nucleotide variant.
Coding change: c.2651A>G on transcript NM_005802.5 (MANE Select); coding-DNA position 2651, A replaced by G.
Protein change: p.Lys884Arg; replaces lysine 884 with arginine.
Molecular consequence: missense variant.
Genome position (GRCh38, 1-based): chr9:32,541,874, T>C on the plus strand (A>G on the coding strand, the complement: TOPORS is on the minus strand). VCF-style: chr9-32541874-T-C. GRCh37 (hg19) VCF-style: chr9-32541872-T-C.
Other names: c.2456A>G, p.Lys819Arg (NM_001195622.2); short protein forms K819R, K884R.
Identifiers: ClinVar variation 1915257 (VCV001915257.5), dbSNP rs369736175, ClinGen allele CA5020336.
Genomic context (GRCh38, chr9:32,541,874, plus strand): 5'-GAACGTGAAGCATTATCTCCATGGTGTTTCTTATGCTTCTTCTTATGTTTCTTCTTTTTC[T>C]TTTTATGGTGTTTAGTTGTATCAGTAGCTTTTCCTTCATAAACTATCTCTACACTTAGGC-3'
Protein context (NP_005793.2, residues 874-894): KATDTTKHHK[Lys884Arg]KKKKHKKKHK